The following is an entry in ClinVar:

NM_001039591.3(USP9X):c.1439G>A (p.Ser480Asn)

Gene: USP9X (ubiquitin specific peptidase 9 X-linked; plus strand). Cytogenetic location: Xp11.4.
Variant type: single nucleotide variant.
Coding change: c.1439G>A on transcript NM_001039591.3 (MANE Select); coding-DNA position 1439, G replaced by A.
Protein change: p.Ser480Asn; replaces serine 480 with asparagine.
Molecular consequence: missense variant.
Genome position (GRCh38, 1-based): chrX:41,148,388, G>A. VCF-style: chrX-41148388-G-A. GRCh37 (hg19) VCF-style: chrX-41007641-G-A.
Other names: c.1439G>A, p.Ser480Asn (NM_001039590.3, NM_001410748.1, NM_001410749.1); short protein forms S480N.
Identifiers: ClinVar variation 2816578 (VCV002816578.3), dbSNP rs377096733, ClinGen allele CA329016179.

ClinVar aggregate classification (germline): Uncertain significance (1 of 4 stars; one submission).

Allele frequency attached by ClinVar (database versions not stated): gnomAD 0.00001; TOPMed 0.00001; gnomAD exomes 0.00002; ESP Exome Variant Server 0.00009.
gnomAD v4.1: 11 of 1,209,920 alleles (0.00091%); highest among the groups gnomAD compares: Non-Finnish European, 0.0012%; no homozygotes.

Submission:

Labcorp Genetics (formerly Invitae), Labcorp
Classification: Uncertain significance. Last evaluated: 2023-08-02. Review status: criteria provided, single submitter. Criteria: Invitae Variant Classification Sherloc (09022015). Collection method: clinical testing. Allele origin: germline.
Comment: In summary, the available evidence is currently insufficient to determine the role of this variant in disease. Therefore, it has been classified as a Variant of Uncertain Significance. This sequence change replaces serine, which is neutral and polar, with asparagine, which is neutral and polar, at codon 480 of the USP9X protein (p.Ser480Asn). This variant is present in population databases (rs377096733, gnomAD 0.009%), including at least one homozygous and/or hemizygous individual. This variant has not been reported in the literature in individuals affected with USP9X-related conditions. An algorithm developed to predict the effect of missense changes on protein structure and function (PolyPhen-2) suggests that this variant is likely to be disruptive.